The following is an entry in ClinVar:

NM_005732.4(RAD50):c.833G>A (p.Arg278Gln)

Gene: RAD50 (RAD50 double strand break repair protein; plus strand). Cytogenetic location: 5q31.1.
Variant type: single nucleotide variant.
Coding change: c.833G>A on transcript NM_005732.4 (MANE Select); coding-DNA position 833, G replaced by A.
Protein change: p.Arg278Gln; replaces arginine 278 with glutamine.
Molecular consequence: missense variant.
Genome position (GRCh38, 1-based): chr5:132,587,638, G>A. VCF-style: chr5-132587638-G-A. GRCh37 (hg19) VCF-style: chr5-131923330-G-A.
Other names: short protein forms R278Q.
Identifiers: ClinVar variation 142205 (VCV000142205.16), dbSNP rs587782307, ClinGen allele CA167751.
Genomic context (GRCh38, chr5:132,587,638, plus strand): 5'-TTGAACATAATCTCTCTAAAATAATGAAACTTGACAATGAAATTAAAGCCTTGGATAGCC[G>A]AAAGAAGCAAATGGAGAAAGATAATAGTGAACTGGAAGAGAAAATGGAAAAGGTTTGTGG-3'
Protein context (NP_005723.2, residues 268-288): LDNEIKALDS[Arg278Gln]KKQMEKDNSE

ClinVar aggregate classification (germline): Uncertain significance. Review status: criteria provided, multiple submitters, no conflicts (2 of 4 stars). 3 submissions from 3 submitters: Uncertain significance (3). Last evaluated 2025-08-11.

Conditions:
Hereditary cancer-predisposing syndrome. Also called: Neoplastic Syndromes, Hereditary; Tumor predisposition; Hereditary Cancer Syndrome; Hereditary neoplastic syndrome. Identifiers: Orphanet 140162, MedGen C0027672, MeSH D009386, MONDO:0015356.
Nijmegen breakage syndrome-like disorder (NBSLD). Also called: MICROCEPHALY AND SPONTANEOUS CHROMOSOME INSTABILITY WITHOUT IMMUNODEFICIENCY; NBS-LIKE DISORDER; RAD50 DEFICIENCY. Identifiers: Orphanet 240760, MedGen C2751318, MONDO:0013118, OMIM 613078.

Allele frequency attached by ClinVar (database versions not stated): TOPMed 0.00002.
gnomAD v4.1: 24 of 1,613,650 alleles (0.0015%); highest among the groups gnomAD compares: African/African-American, 0.004%; no homozygotes.

Submissions (3):

Labcorp Genetics (formerly Invitae), Labcorp
Classification: Uncertain significance for Hereditary cancer-predisposing syndrome. Last evaluated: 2025-08-11. Review status: criteria provided, single submitter. Criteria: Invitae Variant Classification Sherloc (09022015). Collection method: clinical testing. Allele origin: germline.
Comment: This sequence change replaces arginine, which is basic and polar, with glutamine, which is neutral and polar, at codon 278 of the RAD50 protein (p.Arg278Gln). This variant is not present in population databases (gnomAD no frequency). This variant has not been reported in the literature in individuals affected with RAD50-related conditions. ClinVar contains an entry for this variant (Variation ID: 142205). Invitae Evidence Modeling of protein sequence and biophysical properties (such as structural, functional, and spatial information, amino acid conservation, physicochemical variation, residue mobility, and thermodynamic stability) indicates that this missense variant is not expected to disrupt RAD50 protein function with a negative predictive value of 80%. In summary, the available evidence is currently insufficient to determine the role of this variant in disease. Therefore, it has been classified as a Variant of Uncertain Significance.

Ambry Genetics
Classification: Uncertain significance for Hereditary cancer-predisposing syndrome. Last evaluated: 2024-03-23. Review status: criteria provided, single submitter. Criteria: Ambry Variant Classification Scheme 2023. Collection method: clinical testing. Allele origin: germline.
Comment: The p.R278Q variant (also known as c.833G>A), located in coding exon 6 of the RAD50 gene, results from a G to A substitution at nucleotide position 833. The arginine at codon 278 is replaced by glutamine, an amino acid with highly similar properties. This amino acid position is highly conserved in available vertebrate species. In addition, this alteration is predicted to be tolerated by in silico analysis. Since supporting evidence is limited at this time, the clinical significance of this alteration remains unclear.

Baylor Genetics
Classification: Uncertain significance for Nijmegen breakage syndrome-like disorder. Last evaluated: 2023-12-26. Review status: criteria provided, single submitter. Criteria: ACMG Guidelines, 2015. Collection method: clinical testing. Allele origin: unknown.